The following is an entry in ClinVar:

ClinVar aggregate classification (germline): Pathogenic. Review status: criteria provided, multiple submitters, no conflicts (2 of 4 stars). 2 submissions from 2 submitters: Pathogenic (2). Last evaluated 2023-07-13.

Conditions:
Neuromuscular disease caused by qualitative or quantitative defects of dysferlin. Also called: Qualitative or quantitative defects of dysferlin; Dysferlinopathy. Identifiers: Orphanet 207073, MedGen C2931687, MONDO:0016145.

Submissions (2):

Revvity Omics, Revvity
Classification: Pathogenic. Last evaluated: 2023-07-13. Review status: criteria provided, single submitter. Criteria: ACMG Guidelines, 2015. Collection method: clinical testing. Allele origin: germline.

Labcorp Genetics (formerly Invitae), Labcorp
Classification: Pathogenic for Neuromuscular disease caused by qualitative or quantitative defects of dysferlin. Last evaluated: 2022-10-31. Review status: criteria provided, single submitter. Criteria: Invitae Variant Classification Sherloc (09022015). Collection method: clinical testing. Allele origin: germline.
Comment: Algorithms developed to predict the effect of sequence changes on RNA splicing suggest that this variant may disrupt the consensus splice site. For these reasons, this variant has been classified as Pathogenic. ClinVar contains an entry for this variant (Variation ID: 1455686). Disruption of this splice site has been observed in individuals with limb-girdle muscular dystrophy (PMID: 18853459). This variant is not present in population databases (gnomAD no frequency). This sequence change affects a donor splice site in intron 37 of the DYSF gene. It is expected to disrupt RNA splicing. Variants that disrupt the donor or acceptor splice site typically lead to a loss of protein function (PMID: 16199547), and loss-of-function variants in DYSF are known to be pathogenic (PMID: 17698709, 20301480).

Literature cited by the submitters: PubMed 18853459 (cited by Labcorp Genetics (formerly Invitae), Labcorp); PubMed 16199547 (cited by Labcorp Genetics (formerly Invitae), Labcorp); PubMed 17698709 (cited by Labcorp Genetics (formerly Invitae), Labcorp); PubMed 20301480 (cited by Labcorp Genetics (formerly Invitae), Labcorp).

NM_001130987.2(DYSF):c.4059+1G>A

Gene: DYSF (dysferlin; plus strand). Cytogenetic location: 2p13.2.
Variant type: single nucleotide variant.
Coding change: c.4059+1G>A on transcript NM_001130987.2 (MANE Select); the canonical splice donor site of the intron after coding-DNA position 4059, G replaced by A.
Molecular consequence: splice donor variant.
Genome position (GRCh38, 1-based): chr2:71,611,347, G>A. VCF-style: chr2-71611347-G-A. GRCh37 (hg19) VCF-style: chr2-71838477-G-A.
Other names: c.4098+1G>A (NM_001130979.2); c.4056+1G>A (NM_001130981.2, NM_001130980.2); c.4005+1G>A (NM_001130978.2, NM_003494.4); c.3963+1G>A (NM_001130977.2, NM_001130976.2); c.4101+1G>A (NM_001130982.2); c.4059+1G>A (NM_001130985.2); c.4008+1G>A (NM_001130983.2, NM_001130455.2); c.3966+1G>A (NM_001130984.2, NM_001130986.2).
Identifiers: ClinVar variation 1455686 (VCV001455686.8), dbSNP rs1229707459, ClinGen allele CA347228368.